The following is an entry in ClinVar:

ClinVar aggregate classification (germline): Uncertain significance. Review status: criteria provided, multiple submitters, no conflicts (2 of 4 stars). 2 submissions from 2 submitters: Uncertain significance (2). Last evaluated 2024-03-19.

Conditions:
Neuropathy, hereditary sensory and autonomic, type 2A (HSAN2A). Also called: HSAN IIA; WNK1-Related HSAN2 (HSAN2A); ACROOSTEOLYSIS, GIACCAI TYPE; ACROOSTEOLYSIS, NEUROGENIC; MORVAN DISEASE; NEUROPATHY, CONGENITAL SENSORY. Identifiers: Orphanet 970, MedGen C2752089, MONDO:0024309, OMIM 201300.
Pseudohypoaldosteronism type 2C (PHA2C). Also called: Pseudohypoaldosteronism Type IIC. Identifiers: Orphanet 757, Orphanet 88940, MedGen C1840391, MONDO:0013778, OMIM 614492.

Allele frequency attached by ClinVar (database versions not stated): gnomAD exomes below 0.00001; TOPMed below 0.00001.
gnomAD v4.1: 6 of 1,614,180 alleles (0.00037%); highest among the groups gnomAD compares: Non-Finnish European, 0.00051%; no homozygotes.

Submissions (2):

Fulgent Genetics
Classification: Uncertain significance for Neuropathy, hereditary sensory and autonomic, type 2A; Pseudohypoaldosteronism type 2C. Last evaluated: 2024-03-19. Review status: criteria provided, single submitter. Criteria: ACMG Guidelines, 2015. Collection method: clinical testing. Allele origin: germline.

Labcorp Genetics (formerly Invitae), Labcorp
Classification: Uncertain significance for Neuropathy, hereditary sensory and autonomic, type 2A; Pseudohypoaldosteronism type 2C. Last evaluated: 2023-10-12. Review status: criteria provided, single submitter. Criteria: Invitae Variant Classification Sherloc (09022015). Collection method: clinical testing. Allele origin: germline.
Comment: This sequence change replaces leucine, which is neutral and non-polar, with glutamine, which is neutral and polar, at codon 2551 of the WNK1 protein (p.Leu2551Gln). This variant is not present in population databases (gnomAD no frequency). This variant has not been reported in the literature in individuals affected with WNK1-related conditions. ClinVar contains an entry for this variant (Variation ID: 1980840). Advanced modeling of protein sequence and biophysical properties (such as structural, functional, and spatial information, amino acid conservation, physicochemical variation, residue mobility, and thermodynamic stability) performed at Invitae indicates that this missense variant is not expected to disrupt WNK1 protein function. In summary, the available evidence is currently insufficient to determine the role of this variant in disease. Therefore, it has been classified as a Variant of Uncertain Significance.

NM_018979.4(WNK1):c.6896T>A (p.Leu2299Gln)

Gene: WNK1 (WNK lysine deficient protein kinase 1; plus strand). Cytogenetic location: 12p13.33.
Variant type: single nucleotide variant.
Coding change: c.6896T>A on transcript NM_018979.4 (MANE Select); coding-DNA position 6896, T replaced by A.
Protein change: p.Leu2299Gln; replaces leucine 2299 with glutamine.
Molecular consequence: missense variant.
Genome position (GRCh38, 1-based): chr12:908,539, T>A. VCF-style: chr12-908539-T-A. GRCh37 (hg19) VCF-style: chr12-1017705-T-A.
Other names: c.7676T>A, p.Leu2559Gln (NM_001184985.2); c.6152T>A, p.Leu2051Gln (NM_014823.3); c.7652T>A, p.Leu2551Gln (NM_213655.5); short protein forms L2299Q, L2551Q, L2559Q, L2051Q.
Identifiers: ClinVar variation 1980840 (VCV001980840.5), dbSNP rs1955891618, ClinGen allele CA383340882.
Genomic context (GRCh38, chr12:908,539, plus strand): 5'-CTGGAATGGCAAGGAAGTTCTCTGCACCTGGGCAACTGTGCATCTCCATGACCTCGAACC[T>A]GGGTGGCTCTGCCCCCATCTCTGCAGCATCAGCTACCTCTCTAGGTCACTTCACCAAGTC-3'
Protein context (NP_061852.3, residues 2289-2309): GQLCISMTSN[Leu2299Gln]GGSAPISAAS